The following is an entry in ClinVar:

NM_000726.5(CACNB4):c.521+11A>G

Gene: CACNB4 (calcium voltage-gated channel auxiliary subunit beta 4; minus strand). Cytogenetic location: 2q23.3.
Variant type: single nucleotide variant.
Coding change: c.521+11A>G on transcript NM_000726.5 (MANE Select); 11 bases into the intron after coding-DNA position 521, A replaced by G.
Molecular consequence: intron variant.
Genome position (GRCh38, 1-based): chr2:151,876,415, T>C on the plus strand (A>G on the coding strand, the complement: CACNB4 is on the minus strand). VCF-style: chr2-151876415-T-C. GRCh37 (hg19) VCF-style: chr2-152732929-T-C.
Other names: c.521+11A>G (NM_001145798.2); c.467+11A>G (NM_001330113.2, NM_001005746.4); c.419+11A>G (NM_001330115.2, NM_001005747.4); c.380+11A>G (NM_001330116.2, NM_001320722.3, NM_001330118.1); c.-114+11A>G (NM_001330114.2); c.-38+11A>G (NM_001330117.2).
Identifiers: ClinVar variation 2682479 (VCV002682479.1), dbSNP rs1458972292, ClinGen allele CA429240759.
Genomic context (GRCh38, chr2:151,876,415, plus strand): 5'-AGTATACACCCTTGAAAATATCACCCAATTTTCTGACCAAAAAAAAGTGCATAGAAAAGA[T>C]GGGAACGTACCCTCCGTGAAAACGTCCTCTTTTTTGTTCTTGCTGGATCCGTATGTTCTC-3'

ClinVar aggregate classification (germline): Likely benign (1 of 4 stars; one submission).

Allele frequency attached by ClinVar (database versions not stated): gnomAD exomes below 0.00001.
gnomAD v4.1: 6 of 1,593,282 alleles (0.00038%); highest among the groups gnomAD compares: South Asian, 0.0046%; no homozygotes.

Submission:

Women's Health and Genetics/Laboratory Corporation of America, LabCorp
Classification: Likely benign. Last evaluated: 2023-11-13. Review status: criteria provided, single submitter. Criteria: LabCorp Variant Classification Summary - May 2015. Collection method: clinical testing. Allele origin: germline.
Comment: Variant summary: CACNB4 c.521+11A>G alters a non-conserved nucleotide located at a position not widely known to affect splicing. Consensus agreement among computation tools predict no significant impact on normal splicing. However, these predictions have yet to be confirmed by functional studies. The variant allele was found at a frequency of 8.4e-06 in 238494 control chromosomes. The available data on variant occurrences in the general population are insufficient to allow any conclusion about variant significance. To our knowledge, no occurrence of c.521+11A>G in individuals affected with Episodic Ataxia Type 5 and no experimental evidence demonstrating its impact on protein function have been reported. No submitters have cited clinical-significance assessments for this variant to ClinVar after 2014. Based on the evidence outlined above, the variant was classified as likely benign.